The following is an entry in ClinVar:

NM_001323572.2(CCP110):c.856_857del (p.Val286fs)

Gene: CCP110 (centriolar coiled-coil protein 110; plus strand). Cytogenetic location: 16p12.3.
Variant type: Microsatellite.
Coding change: c.856_857del on transcript NM_001323572.2 (MANE Select); coding-DNA positions 856 to 857, 2 bases deleted (GT; older notation c.856_857delGT).
Protein change: p.Val286fs; shifts the reading frame from valine 286.
Molecular consequence: frameshift variant.
Genome position (GRCh38, 1-based): chr16:19,536,525-19,536,526, GT deleted; deleting any 2 consecutive bases within chr16:19,536,522-19,536,526 gives the same sequence; the c. name uses the placement nearest the transcript's 3' end. VCF-style (leftmost placement, unchanged base first): chr16-19536521-CTG-C. GRCh37 (hg19) VCF-style: chr16-19547843-CTG-C.
Other names: p.(Val286Leufs*5); c.856_857del, p.Val286fs (NM_001199022.3, NM_001323569.2, NM_001323570.2 and 4 more transcripts); short protein forms V286fs.
Identifiers: ClinVar variation 2681727 (VCV002681727.2), dbSNP rs2506235680.

ClinVar aggregate classification (germline): Likely pathogenic (0 of 4 stars; one submission).

Submission:

Center for Medical Genetics, Keio University School of Medicine
Classification: Likely pathogenic. Last evaluated: 2023-12-25. Review status: no assertion criteria provided. Collection method: clinical testing. Allele origin: germline. Inheritance: Autosomal recessive inheritance. Affected: yes. Observed: 1 compound heterozygote.
Comment: No functional analysis has been performed on this variant, but it is a frameshift and a predicted loss of function.